The following is an entry in ClinVar:

ClinVar aggregate classification (germline): Likely benign (1 of 4 stars; one submission).

Conditions:
MAFB-related disorder. Also called: MAFB-related condition.

gnomAD v4.1: 10 of 1,550,950 alleles (0.00064%); highest among the groups gnomAD compares: South Asian, 0.0036%; no homozygotes.

Submission:

PreventionGenetics, part of Exact Sciences
Classification: Likely benign for MAFB-related condition. Last evaluated: 2026-06-17. Review status: criteria provided, single submitter. Criteria: ACMG Guidelines, 2015. Collection method: clinical testing. Allele origin: germline.
Comment: This variant is classified as likely benign based on ACMG/AMP sequence variant interpretation guidelines (Richards et al. 2015 PMID: 25741868, with internal and published modifications).

NM_005461.5(MAFB):c.480C>T (p.His160=)

Gene: MAFB (MAF bZIP transcription factor B; minus strand). Cytogenetic location: 20q12.
Variant type: single nucleotide variant.
Coding change: c.480C>T on transcript NM_005461.5 (MANE Select); coding-DNA position 480, C replaced by T.
Protein change: p.His160=; no amino-acid change (histidine 160 retained).
Molecular consequence: synonymous variant.
Genome position (GRCh38, 1-based): chr20:40,688,371, G>A on the plus strand (C>T on the coding strand, the complement: MAFB is on the minus strand). VCF-style: chr20-40688371-G-A. GRCh37 (hg19) VCF-style: chr20-39317011-G-A.
Identifiers: ClinVar variation 4981990 (VCV004981990.1).